The following is an entry in ClinVar:

NM_001386298.1(CIC):c.1624G>A (p.Gly542Arg)

Gene: CIC (capicua transcriptional repressor; plus strand). Cytogenetic location: 19q13.2.
Variant type: single nucleotide variant.
Coding change: c.1624G>A on transcript NM_001386298.1 (MANE Select); coding-DNA position 1624, G replaced by A.
Protein change: p.Gly542Arg; replaces glycine 542 with arginine.
Molecular consequence: missense variant. On other transcripts: genic upstream transcript variant (1).
Genome position (GRCh38, 1-based): chr19:42,273,407, G>A. VCF-style: chr19-42273407-G-A. GRCh37 (hg19) VCF-style: chr19-42777559-G-A.
Other names: c.-11298G>A (NM_015125.5); c.1624G>A, p.Gly542Arg (NM_001304815.2, NM_001379480.1, NM_001379482.1 and 6 more transcripts); short protein forms G542R.
Identifiers: ClinVar variation 4536784 (VCV004536784.1).

ClinVar aggregate classification (germline): Uncertain significance (1 of 4 stars; one submission).

gnomAD v4.1: 6 of 398,240 alleles (0.0015%); highest among the groups gnomAD compares: Non-Finnish European, 0.0027%; no homozygotes.

Submission:

Women's Health and Genetics/Laboratory Corporation of America, LabCorp
Classification: Uncertain significance. Last evaluated: 2025-11-12. Review status: criteria provided, single submitter. Criteria: LabCorp Variant Classification Summary - May 2015. Collection method: clinical testing. Allele origin: germline.
Comment: Variant summary: CIC NM_001304815.2 c.1624G>A (p.Gly542Arg) results in a non-conservative amino acid change in the encoded protein sequence. Algorithms developed to predict the effect of missense changes on protein structure and function are either unavailable or do not agree on the potential impact of this missense change. This variant is also annotated as CIC NM_015125.5 c.-11298G>A and is located in the untranscribed region upstream of the CIC gene region. The variant allele was found at a frequency of 1.5e-05 in 395714 control chromosomes (gnomAD). The available data on variant occurrences in the general population are insufficient to allow any conclusion about variant significance. To our knowledge, no occurrence of c.-11298G>A in individuals affected with CIC-related conditions and no experimental evidence demonstrating its impact on protein function have been reported. No submitters have cited clinical-significance assessments for this variant to ClinVar. Based on the evidence outlined above, the variant was classified as uncertain significance.